The following is an entry in ClinVar:

ClinVar aggregate classification (germline): Likely benign. Review status: reviewed by expert panel (3 of 4 stars). 3 submissions from 3 submitters: Likely benign (1). 2 of the submissions do not count toward it. Last evaluated 2025-10-28.

Conditions:
Pitt-Hopkins syndrome (PTHS). Also called: ENCEPHALOPATHY, SEVERE EPILEPTIC, WITH AUTONOMIC DYSFUNCTION; MENTAL RETARDATION, SYNDROMAL, WITH INTERMITTENT HYPERVENTILATION. Identifiers: Orphanet 2896, MedGen C1970431, MONDO:0012589, OMIM 610954.
Inborn genetic diseases. Identifiers: MedGen C0950123, MeSH D030342.

Allele frequency attached by ClinVar (database versions not stated): gnomAD exomes below 0.00001 and 0.00001; TOPMed below 0.00001; ExAC 0.00001.

Submissions (3):

ClinGen Rett and Angelman-like Disorders Variant Curation Expert Panel
Classification: Likely benign for Pitt-Hopkins syndrome. Last evaluated: 2025-10-28. Review status: reviewed by expert panel. Criteria: ClinGen RettAS ACMG Specifications TCF4 V5.0.0. Collection method: curation. Allele origin: germline. Inheritance: Autosomal dominant inheritance.
Comment: The highest population minor allele frequency of the p.Gly313Arg variant in TCF4 in gnomAD v4.1.0 is 0.00001098 in the South Asian population, which is higher than the ClinGen Rett and Angelman-like Disorders VCEP threshold (≥0.0000083) for BS1, and therefore meets this criterion (BS1). The computational predictor REVEL gives a score of 0.125, (which is below the threshold of 0.290), evidence that does not predict a damaging effect on TCF4 function (BP4). In summary, the p.Gly313Arg variant in TCF4 is classified as Likely Benign based on the ACMG/AMP criteria (BS1, BP4). (TCF4 Specifications v5.0; curation approved on 10/28/2025)

Labcorp Genetics (formerly Invitae), Labcorp
Classification: Uncertain significance for Pitt-Hopkins syndrome. Last evaluated: 2024-10-24. Review status: criteria provided, single submitter. Criteria: Invitae Variant Classification Sherloc (09022015). Collection method: clinical testing. Allele origin: germline. Not counted in ClinVar's aggregate classification.
Comment: This sequence change replaces glycine, which is neutral and non-polar, with arginine, which is basic and polar, at codon 313 of the TCF4 protein (p.Gly313Arg). This variant is present in population databases (rs767178395, gnomAD 0.003%). This variant has not been reported in the literature in individuals affected with TCF4-related conditions. ClinVar contains an entry for this variant (Variation ID: 1429051). Invitae Evidence Modeling of protein sequence and biophysical properties (such as structural, functional, and spatial information, amino acid conservation, physicochemical variation, residue mobility, and thermodynamic stability) indicates that this missense variant is not expected to disrupt TCF4 protein function with a negative predictive value of 80%. In summary, the available evidence is currently insufficient to determine the role of this variant in disease. Therefore, it has been classified as a Variant of Uncertain Significance.

Ambry Genetics
Classification: Likely benign for Inborn genetic diseases. Last evaluated: 2024-07-14. Review status: criteria provided, single submitter. Criteria: Ambry Variant Classification Scheme 2023. Collection method: clinical testing. Allele origin: germline. Not counted in ClinVar's aggregate classification.

NM_001083962.2(TCF4):c.937G>A (p.Gly313Arg)

Gene: TCF4 (transcription factor 4; minus strand). Cytogenetic location: 18q21.2.
Variant type: single nucleotide variant.
Coding change: c.937G>A on transcript NM_001083962.2 (MANE Select); coding-DNA position 937, G replaced by A.
Protein change: p.Gly313Arg; replaces glycine 313 with arginine.
Molecular consequence: missense variant.
Genome position (GRCh38, 1-based): chr18:55,261,519, C>T on the plus strand (G>A on the coding strand, the complement: TCF4 is on the minus strand). VCF-style: chr18-55261519-C-T. GRCh37 (hg19) VCF-style: chr18-52928750-C-T.
Other names: NM_001083962.2(TCF4):c.937G>A; p.Gly313Arg; c.1243G>A, p.Gly415Arg (NM_001243226.3); c.865G>A, p.Gly289Arg (NM_001243227.2, NM_001306207.1, NM_001369575.1 and 9 more transcripts); c.955G>A, p.Gly319Arg (NM_001243228.2); c.931G>A, p.Gly311Arg (NM_001243230.2); c.811G>A, p.Gly271Arg (NM_001243231.2, NM_001348211.2); c.724G>A, p.Gly242Arg (NM_001243232.1, NM_001306208.1); and 7 more; short protein forms G153R, G183R, G313R, G312R, G242R, G288R, G415R, G97R.
Identifiers: ClinVar variation 1429051 (VCV001429051.7), dbSNP rs767178395, ClinGen allele CA8970345.